The following is an entry in ClinVar:

ClinVar aggregate classification (germline): Uncertain significance. Review status: criteria provided, multiple submitters, no conflicts (2 of 4 stars). 2 submissions from 2 submitters: Uncertain significance (2). Last evaluated 2024-10-26.

Conditions:
Inborn genetic diseases. Identifiers: MedGen C0950123, MeSH D030342.

Allele frequency attached by ClinVar (database versions not stated): gnomAD exomes 0.00001; TOPMed 0.00002; gnomAD 0.00003.
gnomAD v4.1: 24 of 1,587,654 alleles (0.0015%); highest among the groups gnomAD compares: Non-Finnish European, 0.0019%; no homozygotes.

Submissions (2):

Labcorp Genetics (formerly Invitae), Labcorp
Classification: Uncertain significance. Last evaluated: 2024-10-26. Review status: criteria provided, single submitter. Criteria: Invitae Variant Classification Sherloc (09022015). Collection method: clinical testing. Allele origin: germline.
Comment: This sequence change replaces arginine, which is basic and polar, with glutamine, which is neutral and polar, at codon 1026 of the APC2 protein (p.Arg1026Gln). The frequency data for this variant in the population databases is considered unreliable, as metrics indicate poor data quality at this position in the gnomAD database. This variant has not been reported in the literature in individuals affected with APC2-related conditions. ClinVar contains an entry for this variant (Variation ID: 2611997). An algorithm developed to predict the effect of missense changes on protein structure and function (PolyPhen-2) suggests that this variant is likely to be disruptive. In summary, the available evidence is currently insufficient to determine the role of this variant in disease. Therefore, it has been classified as a Variant of Uncertain Significance.

Ambry Genetics
Classification: Uncertain significance for Inborn genetic diseases. Last evaluated: 2023-07-14. Review status: criteria provided, single submitter. Criteria: Ambry Variant Classification Scheme 2023. Collection method: clinical testing. Allele origin: germline.

NM_005883.3(APC2):c.3077G>A (p.Arg1026Gln)

Gene: APC2 (APC regulator of Wnt signaling pathway 2; plus strand). Cytogenetic location: 19p13.3.
Variant type: single nucleotide variant.
Coding change: c.3077G>A on transcript NM_005883.3 (MANE Select); coding-DNA position 3077, G replaced by A.
Protein change: p.Arg1026Gln; replaces arginine 1026 with glutamine.
Molecular consequence: missense variant.
Genome position (GRCh38, 1-based): chr19:1,466,378, G>A. VCF-style: chr19-1466378-G-A. GRCh37 (hg19) VCF-style: chr19-1466377-G-A.
Other names: c.3074G>A, p.Arg1025Gln (NM_001351273.1); short protein forms R1025Q, R1026Q.
Identifiers: ClinVar variation 2611997 (VCV002611997.4), dbSNP rs1158880317, ClinGen allele CA403028653.
Genomic context (GRCh38, chr19:1,466,378, plus strand): 5'-AGGGTGCCTCAAGGGCGGGTGCAGAGCCCCTCGCGGGGCCTGGAATCTCTCCAGGGGCCC[G>A]GAAGCAGGCCTGGCTGCCGGCAGACCACCTGAGCAAGGTTCCCGAGAAGCTGGCGGCTGC-3'
Protein context (NP_005874.1, residues 1016-1036): LAGPGISPGA[Arg1026Gln]KQAWLPADHL